The following is an entry in ClinVar:

NM_014921.5(ADGRL1):c.970C>T (p.Arg324Cys)

Genes: ADGRL1 (adhesion G protein-coupled receptor L1; minus strand), ADGRL1-AS1 (ADGRL1 antisense RNA 1; plus strand). Cytogenetic location: 19p13.12.
Variant type: single nucleotide variant.
Coding change: c.970C>T on transcript NM_014921.5 (MANE Select); coding-DNA position 970, C replaced by T.
Protein change: p.Arg324Cys; replaces arginine 324 with cysteine.
Molecular consequence: missense variant.
Genome position (GRCh38, 1-based): chr19:14,162,831, G>A on the plus strand (C>T on the coding strand, the complement: ADGRL1 is on the minus strand). VCF-style: chr19-14162831-G-A. GRCh37 (hg19) VCF-style: chr19-14273643-G-A.
Other names: c.985C>T, p.Arg329Cys (NM_001008701.3); short protein forms R324C, R329C.
Identifiers: ClinVar variation 4873909 (VCV004873909.2).
Genomic context (GRCh38, chr19:14,162,831, plus strand): 5'-TGAAGGCATAGTCCACGCGGTTGCCAGCCGCCTCGCTGTCATCATCCACGTACACGGAAC[G>A]CAGGACGTACAGGACCCCACACACCATGAAGGCGTTGGATGCCGAGCGCTTGTCGTAACC-3'
Protein context (NP_055736.2, residues 314-334): FMVCGVLYVL[Arg324Cys]SVYVDDDSEA

ClinVar aggregate classification (germline): Uncertain significance (1 of 4 stars; one submission).

gnomAD v4.1: 26 of 1,613,886 alleles (0.0016%); highest among the groups gnomAD compares: Admixed American, 0.005%; no homozygotes.

Submission:

CeGaT Center for Human Genetics Tuebingen
Classification: Uncertain significance. Last evaluated: 2026-05-01. Review status: criteria provided, single submitter. Criteria: CeGaT Center For Human Genetics Tuebingen Variant Classification Criteria Version 2. Collection method: clinical testing. Allele origin: germline. Affected: yes. Observed: 1 variant allele.
Comment: ADGRL1: PP3